The following is an entry in ClinVar:

ClinVar aggregate classification (germline): Benign/Likely benign. Review status: criteria provided, multiple submitters, no conflicts (2 of 4 stars). 7 submissions from 7 submitters: Benign (3); Likely benign (4). Last evaluated 2026-02-01.

Conditions:
Pulmonary fibrosis and/or bone marrow failure, Telomere-related, 3. Also called: PULMONARY FIBROSIS AND/OR BONE MARROW FAILURE SYNDROME, TELOMERE-RELATED, 3. Identifiers: Orphanet 2032, MedGen C4225346, MONDO:0014613, OMIM 616373.
Dyskeratosis congenita, autosomal recessive 5 (DKCB5). Identifiers: MedGen C3554656, MONDO:0014076, OMIM 615190.
Inborn genetic diseases. Identifiers: MedGen C0950123, MeSH D030342.

Allele frequency attached by ClinVar (database versions not stated): 1000 Genomes Project 0.00459; gnomAD 0.00531 and 0.00567; 1000 Genomes Project 30x 0.00562; TOPMed 0.00595; ESP Exome Variant Server 0.00617.
gnomAD v4.1: 1,537 of 1,610,342 alleles (0.095%); highest among the groups gnomAD compares: African/African-American, 1.9%; 12 homozygotes.

Submissions (7):

Labcorp Genetics (formerly Invitae), Labcorp
Classification: Benign for Dyskeratosis congenita, autosomal recessive 5; Pulmonary fibrosis and/or bone marrow failure, Telomere-related, 3. Last evaluated: 2026-02-01. Review status: criteria provided, single submitter. Criteria: Invitae Variant Classification Sherloc (09022015). Collection method: clinical testing. Allele origin: germline.

Mayo Clinic Laboratories, Mayo Clinic
Classification: Benign. Last evaluated: 2025-02-26. Review status: criteria provided, single submitter. Criteria: ACMG Guidelines, 2015. Collection method: clinical testing. Allele origin: germline. Observed: 5 variant alleles.
Comment: BS1, BS2, BP4

Blueprint Genetics
Classification: Likely benign. Last evaluated: 2024-11-26. Review status: criteria provided, single submitter. Criteria: ACMG Guidelines, 2015. Collection method: clinical testing. Allele origin: germline.

Ambry Genetics
Classification: Likely benign for Inborn genetic diseases. Last evaluated: 2021-09-15. Review status: criteria provided, single submitter. Criteria: Ambry Variant Classification Scheme 2023. Collection method: clinical testing. Allele origin: germline.

GeneDx
Classification: Likely benign. Last evaluated: 2021-08-21. Review status: criteria provided, single submitter. Criteria: GeneDx Variant Classification Process June 2021. Collection method: clinical testing. Allele origin: germline. Affected: yes.
Comment: See Variant Classification Assertion Criteria.

Genetic Services Laboratory, University of Chicago
Classification: Benign. Last evaluated: 2017-06-23. Review status: criteria provided, single submitter. Criteria: ACMG Guidelines, 2015. Collection method: clinical testing. Allele origin: germline. Affected: no.

Breakthrough Genomics
Classification: Likely benign. Review status: criteria provided, single submitter. Criteria: ACMG Guidelines, 2015. Collection method: not provided. Allele origin: germline. Inheritance: Autosomal recessive inheritance. Affected: yes.

NM_001283009.2(RTEL1):c.1727G>A (p.Arg576His)

Genes: RTEL1 (regulator of telomere elongation helicase 1; plus strand), RTEL1-TNFRSF6B (RTEL1-TNFRSF6B readthrough (NMD candidate); plus strand). Cytogenetic location: 20q13.33.
Variant type: single nucleotide variant.
Coding change: c.1727G>A on transcript NM_001283009.2 (MANE Select); coding-DNA position 1727, G replaced by A.
Protein change: p.Arg576His; replaces arginine 576 with histidine.
Molecular consequence: missense variant. On other transcripts: non-coding transcript variant (1).
Genome position (GRCh38, 1-based): chr20:63,688,532, G>A. VCF-style: chr20-63688532-G-A. GRCh37 (hg19) VCF-style: chr20-62319885-G-A.
Other names: p.Arg600His; c.1058G>A, p.Arg353His (NM_001283010.1); c.1727G>A, p.Arg576His (NM_016434.4); c.1799G>A, p.Arg600His (NM_032957.5); short protein forms R576H, R600H, R353H.
Identifiers: ClinVar variation 436584 (VCV000436584.23), dbSNP rs115423936, ClinGen allele CA9964959.